The following is an entry in ClinVar:

ClinVar aggregate classification (germline): Conflicting classifications of pathogenicity. Review status: criteria provided, conflicting classifications (1 of 4 stars). 10 submissions from 10 submitters: Uncertain significance (1); Benign (6); Likely benign (2). 1 of the submissions does not count toward it. Last evaluated 2026-02-01.

Conditions:
UNC13D-related disorder. Also called: UNC13D-related condition.
Autoinflammatory syndrome. Identifiers: Orphanet 93665, MedGen C3890737, MONDO:0019751.
Familial hemophagocytic lymphohistiocytosis 3 (FHL3). Also called: UNC13D-Related Familial Hemophagocytic Lymphohistiocytosis (UNC13D-fHLH). Identifiers: Orphanet 540, MedGen C1837174, MONDO:0012146, OMIM 608898.

Allele frequency attached by ClinVar (database versions not stated): gnomAD 0.00627 and 0.00586; 1000 Genomes Project 30x 0.00656; gnomAD exomes 0.00110 and 0.00252; ExAC 0.00260; 1000 Genomes Project 0.00519; TOPMed 0.00658; ESP Exome Variant Server 0.00730.
gnomAD v4.1: 2,591 of 1,614,062 alleles (0.16%); highest among the groups gnomAD compares: African/African-American, 1.7%; 18 homozygotes.

Submissions (10):

Labcorp Genetics (formerly Invitae), Labcorp
Classification: Benign for Familial hemophagocytic lymphohistiocytosis 3. Last evaluated: 2026-02-01. Review status: criteria provided, single submitter. Criteria: Invitae Variant Classification Sherloc (09022015). Collection method: clinical testing. Allele origin: germline.

Mayo Clinic Laboratories, Mayo Clinic
Classification: Benign. Last evaluated: 2025-05-23. Review status: criteria provided, single submitter. Criteria: ACMG Guidelines, 2015. Collection method: clinical testing. Allele origin: germline. Observed: 1 variant allele.
Comment: BS1, BS2, BP4

Women's Health and Genetics/Laboratory Corporation of America, LabCorp
Classification: Benign. Last evaluated: 2023-07-18. Review status: criteria provided, single submitter. Criteria: LabCorp Variant Classification Summary - May 2015. Collection method: clinical testing. Allele origin: germline.
Comment: Variant summary: UNC13D c.753+3G>A alters a conserved nucleotide located close to a canonical splice site and therefore could affect mRNA splicing, leading to a significantly altered protein sequence. 4/4 computational tools predict no significant impact on normal splicing. However, these predictions have yet to be confirmed by functional studies. The variant allele was found at a frequency of 0.0025 in 251412 control chromosomes, predominantly at a frequency of 0.018 within the African or African-American subpopulation in the gnomAD database, including 2 homozygotes. The observed variant frequency within African or African-American control individuals in the gnomAD database is approximately 7 fold of the estimated maximal expected allele frequency for a pathogenic variant in UNC13D causing Familial Hemophagocytic Lymphohistiocytosis phenotype (0.0027), strongly suggesting that the variant is a benign polymorphism found primarily in populations of African or African-American origin. c.753+3G>A has been reported in the literature in individuals affected with Hemophagocytic Lymphohistiocytosis (Chang_2011) without evidence for causality. To our knowledge, no experimental evidence demonstrating an impact on protein function has been reported. The following publication have been ascertained in the context of this evaluation (PMID: 21370424). Six submitters have cited clinical-significance assessments for this variant to ClinVar after 2014 and classified as benign/likely benign (n=5) and VUS (n=1). Based on the evidence outlined above, the variant was classified as benign.

CeGaT Center for Human Genetics Tuebingen
Classification: Benign. Last evaluated: 2022-07-01. Review status: criteria provided, single submitter. Criteria: CeGaT Center For Human Genetics Tuebingen Variant Classification Criteria Version 2. Collection method: clinical testing. Allele origin: germline. Affected: yes. Observed: 1 variant allele.
Comment: UNC13D: BP4, BS1, BS2

Genetic Services Laboratory, University of Chicago
Classification: Benign. Last evaluated: 2021-10-20. Review status: criteria provided, single submitter. Criteria: ACMG Guidelines, 2015. Collection method: clinical testing. Allele origin: germline. Affected: no.

Mendelics
Classification: Benign. Last evaluated: 2019-05-28. Review status: criteria provided, single submitter. Criteria: Mendelics Assertion Criteria 2017. Collection method: clinical testing. Allele origin: unknown.

Genome Diagnostics Laboratory, The Hospital for Sick Children
Classification: Likely benign for Autoinflammatory syndrome. Last evaluated: 2018-05-01. Review status: criteria provided, single submitter. Criteria: ACMG Guidelines, 2015. Collection method: clinical testing. Allele origin: germline. Affected: yes.

Illumina Laboratory Services, Illumina
Classification: Uncertain significance for Familial hemophagocytic lymphohistiocytosis 3. Last evaluated: 2017-04-27. Review status: criteria provided, single submitter. Criteria: ICSL Variant Classification Criteria 13 December 2019. Collection method: clinical testing. Allele origin: germline.
Comment: This variant was observed as part of a predisposition screen in an ostensibly healthy population. A literature search was performed for the gene, cDNA change, and amino acid change (where applicable). Publications were found based on this search. However, the evidence from the literature, in combination with allele frequency data from public databases where available, was not sufficient to rule this variant in or out of causing disease. Therefore, this variant is classified as a variant of unknown significance.

GeneDx
Classification: Likely benign. Last evaluated: 2016-06-22. Review status: criteria provided, single submitter. Criteria: GeneDx Variant Classification (06012015). Collection method: clinical testing. Allele origin: germline. Affected: yes.
Comment: This variant is considered likely benign or benign based on one or more of the following criteria: it is a conservative change, it occurs at a poorly conserved position in the protein, it is predicted to be benign by multiple in silico algorithms, and/or has population frequency not consistent with disease.

PreventionGenetics, part of Exact Sciences
Classification: Likely benign for UNC13D-related condition. Last evaluated: 2020-03-27. Review status: no assertion criteria provided. Collection method: clinical testing. Allele origin: germline. Not counted in ClinVar's aggregate classification.
Comment: This variant is classified as likely benign based on ACMG/AMP sequence variant interpretation guidelines (Richards et al. 2015 PMID: 25741868, with internal and published modifications).

Literature cited by the submitters: PubMed 18240215 (cited by Mayo Clinic Laboratories, Mayo Clinic and Illumina Laboratory Services, Illumina); PubMed 21370424 (cited by Mayo Clinic Laboratories, Mayo Clinic and Women's Health and Genetics/Laboratory Corporation of America, LabCorp); PubMed 21881043 (cited by Mayo Clinic Laboratories, Mayo Clinic).

NM_199242.3(UNC13D):c.753+3G>A

Gene: UNC13D (unc-13 homolog D; minus strand). Cytogenetic location: 17q25.1.
Variant type: single nucleotide variant.
Coding change: c.753+3G>A on transcript NM_199242.3 (MANE Select); 3 bases into the intron after coding-DNA position 753, G replaced by A.
Molecular consequence: intron variant.
Genome position (GRCh38, 1-based): chr17:75,840,504, C>T on the plus strand (G>A on the coding strand, the complement: UNC13D is on the minus strand). VCF-style: chr17-75840504-C-T. GRCh37 (hg19) VCF-style: chr17-73836585-C-T.
Other names: p.?.
Identifiers: ClinVar variation 381715 (VCV000381715.50), dbSNP rs116229331, ClinGen allele CA8773311.